The following is an entry in ClinVar:

ClinVar aggregate classification (germline): Uncertain significance (1 of 4 stars; one submission).

Conditions:
Dyskeratosis congenita. Identifiers: Orphanet 1775, MedGen C0265965, MONDO:0015780.

Allele frequency attached by ClinVar (database versions not stated): gnomAD exomes below 0.00001 and 0.00001; ExAC 0.00002.

Submission:

Labcorp Genetics (formerly Invitae), Labcorp
Classification: Uncertain significance for Dyskeratosis congenita. Last evaluated: 2023-11-07. Review status: criteria provided, single submitter. Criteria: Invitae Variant Classification Sherloc (09022015). Collection method: clinical testing. Allele origin: germline.
Comment: This sequence change replaces leucine, which is neutral and non-polar, with phenylalanine, which is neutral and non-polar, at codon 200 of the TINF2 protein (p.Leu200Phe). This variant is present in population databases (rs772502368, gnomAD 0.003%). This variant has not been reported in the literature in individuals affected with TINF2-related conditions. ClinVar contains an entry for this variant (Variation ID: 1395555). Algorithms developed to predict the effect of missense changes on protein structure and function output the following: SIFT: "Not Available"; PolyPhen-2: "Possibly Damaging"; Align-GVGD: "Not Available". The phenylalanine amino acid residue is found in multiple mammalian species, which suggests that this missense change does not adversely affect protein function. In summary, the available evidence is currently insufficient to determine the role of this variant in disease. Therefore, it has been classified as a Variant of Uncertain Significance.

NM_001099274.3(TINF2):c.598C>T (p.Leu200Phe)

Gene: TINF2 (TERF1 interacting nuclear factor 2; minus strand). Cytogenetic location: 14q12.
Variant type: single nucleotide variant.
Coding change: c.598C>T on transcript NM_001099274.3 (MANE Select); coding-DNA position 598, C replaced by T.
Protein change: p.Leu200Phe; replaces leucine 200 with phenylalanine.
Molecular consequence: missense variant.
Genome position (GRCh38, 1-based): chr14:24,241,026, G>A on the plus strand (C>T on the coding strand, the complement: TINF2 is on the minus strand). VCF-style: chr14-24241026-G-A. GRCh37 (hg19) VCF-style: chr14-24710232-G-A.
Other names: c.493C>T, p.Leu165Phe (NM_001363668.2); c.598C>T, p.Leu200Phe (NM_012461.3); short protein forms L200F, L165F.
Identifiers: ClinVar variation 1395555 (VCV001395555.6), dbSNP rs772502368, ClinGen allele CA7130610.
Genomic context (GRCh38, chr14:24,241,026, plus strand): 5'-TGGACTGCCTCAAAAGGTCTCAGGCTAAACACTACACCTCCAAATTCCTAGTACCTGGAA[G>A]CAGCCACCCCATGTCCACACCATATTGTCTCCAGGCAAGAGAAGAGGTGATAGAGACTCC-3'
Protein context (NP_001092744.1, residues 190-210): RQYGVDMGWL[Leu200Phe]PECSVTDSVN